The following is an entry in ClinVar:

ClinVar aggregate classification (germline): Uncertain significance (1 of 4 stars; one submission).

Conditions:
Left ventricular noncompaction 8 (LVNC8). Identifiers: Orphanet 154, Orphanet 54260, MedGen C3809288, MONDO:0014152, OMIM 615373.

Submission:

Labcorp Genetics (formerly Invitae), Labcorp
Classification: Uncertain significance for Left ventricular noncompaction 8. Last evaluated: 2020-05-28. Review status: criteria provided, single submitter. Criteria: Invitae Variant Classification Sherloc (09022015). Collection method: clinical testing. Allele origin: germline.
Comment: In summary, the available evidence is currently insufficient to determine the role of this variant in disease. Therefore, it has been classified as a Variant of Uncertain Significance. Algorithms developed to predict the effect of missense changes on protein structure and function are either unavailable or do not agree on the potential impact of this missense change (SIFT: "Deleterious"; PolyPhen-2: "Probably Damaging"; Align-GVGD: "Class C15"). This variant has not been reported in the literature in individuals with PRDM16-related conditions. The frequency data for this variant in the population databases is considered unreliable, as metrics indicate insufficient coverage at this position in the ExAC database. This sequence change replaces aspartic acid with asparagine at codon 864 of the PRDM16 protein (p.Asp864Asn). The aspartic acid residue is highly conserved and there is a small physicochemical difference between aspartic acid and asparagine.

NM_022114.4(PRDM16):c.2590G>A (p.Asp864Asn)

Gene: PRDM16 (PR/SET domain 16; plus strand). Cytogenetic location: 1p36.32.
Variant type: single nucleotide variant.
Coding change: c.2590G>A on transcript NM_022114.4 (MANE Select); coding-DNA position 2590, G replaced by A.
Protein change: p.Asp864Asn; replaces aspartic acid 864 with asparagine.
Molecular consequence: missense variant.
Genome position (GRCh38, 1-based): chr1:3,412,787, G>A. VCF-style: chr1-3412787-G-A. GRCh37 (hg19) VCF-style: chr1-3329351-G-A.
Other names: c.2590G>A, p.Asp864Asn (NM_199454.3); short protein forms D864N.
Identifiers: ClinVar variation 1061025 (VCV001061025.9), dbSNP rs1182769018, ClinGen allele CA338001009.